The following is an entry in ClinVar:

NM_013245.3(VPS4A):c.346G>A (p.Ala116Thr)

Gene: VPS4A (vacuolar protein sorting 4 homolog A; plus strand). Cytogenetic location: 16q22.1.
Variant type: single nucleotide variant.
Coding change: c.346G>A on transcript NM_013245.3 (MANE Select); coding-DNA position 346, G replaced by A.
Protein change: p.Ala116Thr; replaces alanine 116 with threonine.
Molecular consequence: missense variant.
Genome position (GRCh38, 1-based): chr16:69,318,825, G>A. VCF-style: chr16-69318825-G-A. GRCh37 (hg19) VCF-style: chr16-69352728-G-A.
Other names: short protein forms A116T.
Identifiers: ClinVar variation 3368966 (VCV003368966.2).

ClinVar aggregate classification (germline): Conflicting classifications of pathogenicity. Review status: criteria provided, conflicting classifications (1 of 4 stars). 2 submissions from 2 submitters: Likely pathogenic (1); Uncertain significance (1). Last evaluated 2025-09-29.

Submissions (2):

GeneDx
Classification: Likely pathogenic. Last evaluated: 2025-09-29. Review status: criteria provided, single submitter. Criteria: GeneDx Variant Classification Process June 2021. Collection method: clinical testing. Allele origin: germline.
Comment: Not observed at significant frequency in large population cohorts (gnomAD); In silico analysis supports that this missense variant has a deleterious effect on protein structure/function; Has not been previously published as pathogenic or benign to our knowledge

Blueprint Genetics
Classification: Uncertain significance. Last evaluated: 2023-04-24. Review status: criteria provided, single submitter. Criteria: ACMG Guidelines, 2015. Collection method: clinical testing. Allele origin: germline.